The following is an entry in ClinVar:

ClinVar aggregate classification (germline): Benign/Likely benign. Review status: criteria provided, multiple submitters, no conflicts (2 of 4 stars). 4 submissions from 4 submitters: Benign (2); Likely benign (1). 1 of the submissions does not count toward it. Last evaluated 2025-12-16.

Conditions:
DHX38-related disorder. Also called: DHX38-related condition.

Allele frequency attached by ClinVar (database versions not stated): gnomAD 0.00051; ESP Exome Variant Server 0.00054; gnomAD exomes 0.00060 and 0.00075; TOPMed 0.00060; 1000 Genomes Project 30x 0.00062; ExAC 0.00064; 1000 Genomes Project 0.00080.
gnomAD v4.1: 976 of 1,613,744 alleles (0.06%); highest among the groups gnomAD compares: Middle Eastern, 0.4%; 4 homozygotes.

Submissions (4):

Labcorp Genetics (formerly Invitae), Labcorp
Classification: Benign. Last evaluated: 2025-12-16. Review status: criteria provided, single submitter. Criteria: Invitae Variant Classification Sherloc (09022015). Collection method: clinical testing. Allele origin: germline.

Blueprint Genetics
Classification: Likely benign. Last evaluated: 2024-11-25. Review status: criteria provided, single submitter. Criteria: ACMG Guidelines, 2015. Collection method: clinical testing. Allele origin: germline.

Breakthrough Genomics
Classification: Benign. Review status: criteria provided, single submitter. Criteria: ACMG Guidelines, 2015. Collection method: not provided. Allele origin: germline. Inheritance: Autosomal recessive inheritance. Affected: yes.

PreventionGenetics, part of Exact Sciences
Classification: Likely benign for DHX38-related condition. Last evaluated: 2022-02-13. Review status: no assertion criteria provided. Collection method: clinical testing. Allele origin: germline. Not counted in ClinVar's aggregate classification.
Comment: This variant is classified as likely benign based on ACMG/AMP sequence variant interpretation guidelines (Richards et al. 2015 PMID: 25741868, with internal and published modifications).

NM_014003.4(DHX38):c.2947A>G (p.Ile983Val)

Genes: DHX38 (DEAH-box helicase 38; plus strand), LOC126862391 (CDK7 strongly-dependent group 2 enhancer GRCh37_chr16:72141414-72142613; plus strand). Cytogenetic location: 16q22.2.
Variant type: single nucleotide variant.
Coding change: c.2947A>G on transcript NM_014003.4 (MANE Select); coding-DNA position 2947, A replaced by G.
Protein change: p.Ile983Val; replaces isoleucine 983 with valine.
Molecular consequence: missense variant.
Genome position (GRCh38, 1-based): chr16:72,107,782, A>G. VCF-style: chr16-72107782-A-G. GRCh37 (hg19) VCF-style: chr16-72141681-A-G.
Other names: short protein forms I983V.
Identifiers: ClinVar variation 859102 (VCV000859102.14), dbSNP rs34482572, ClinGen allele CA8160812.